The following is an entry in ClinVar:

NM_005188.4(CBL):c.1498C>A (p.Leu500Ile)

Gene: CBL (Cbl proto-oncogene; plus strand). Cytogenetic location: 11q23.3.
Variant type: single nucleotide variant.
Coding change: c.1498C>A on transcript NM_005188.4 (MANE Select); coding-DNA position 1498, C replaced by A.
Protein change: p.Leu500Ile; replaces leucine 500 with isoleucine.
Molecular consequence: missense variant.
Genome position (GRCh38, 1-based): chr11:119,285,035, C>A. VCF-style: chr11-119285035-C-A. GRCh37 (hg19) VCF-style: chr11-119155745-C-A.
Other names: short protein forms L500I.
Identifiers: ClinVar variation 4868280 (VCV004868280.1).

ClinVar aggregate classification (germline): Uncertain significance (1 of 4 stars; one submission).

Conditions:
Cardiovascular phenotype. Identifiers: MedGen CN230736.

Submission:

Ambry Genetics
Classification: Uncertain significance for Cardiovascular phenotype. Last evaluated: 2026-06-08. Review status: criteria provided, single submitter. Criteria: Ambry Variant Classification Scheme 2023. Collection method: clinical testing. Allele origin: germline.
Comment: The p.L500I variant (also known as c.1498C>A), located in coding exon 10 of the CBL gene, results from a C to A substitution at nucleotide position 1498. The leucine at codon 500 is replaced by isoleucine, an amino acid with highly similar properties. This amino acid position is conserved. In addition, the in silico prediction for this alteration is inconclusive. Based on the available evidence, the clinical significance of this variant remains unclear.